The following is an entry in ClinVar:

ClinVar aggregate classification (germline): Benign/Likely benign. Review status: criteria provided, multiple submitters, no conflicts (2 of 4 stars). 2 submissions from 2 submitters: Benign (1); Likely benign (1). Last evaluated 2024-07-02.

Conditions:
Oligodontia-cancer predisposition syndrome. Also called: TOOTH AGENESIS-COLORECTAL CANCER SYNDROME. Identifiers: Orphanet 300576, MedGen C1837750, MONDO:0012075, OMIM 608615. Disease mechanism: loss of function.

Submissions (2):

Myriad Genetics, Inc.
Classification: Benign for Oligodontia-cancer predisposition syndrome. Last evaluated: 2024-07-02. Review status: criteria provided, single submitter. Criteria: Myriad Autosomal Dominant, Autosomal Recessive and X-Linked Classification Criteria (2023). Collection method: clinical testing. Allele origin: unknown.
Comment: This variant is considered benign. This variant is a silent/synonymous amino acid change and it is not expected to impact splicing.

Labcorp Genetics (formerly Invitae), Labcorp
Classification: Likely benign for Oligodontia-cancer predisposition syndrome. Last evaluated: 2022-10-05. Review status: criteria provided, single submitter. Criteria: Invitae Variant Classification Sherloc (09022015). Collection method: clinical testing. Allele origin: germline.

NM_004655.4(AXIN2):c.1224G>A (p.Glu408=)

Gene: AXIN2 (axin 2; minus strand). Cytogenetic location: 17q24.1.
Variant type: single nucleotide variant.
Coding change: c.1224G>A on transcript NM_004655.4 (MANE Select); coding-DNA position 1224, G replaced by A.
Protein change: p.Glu408=; no amino-acid change (glutamic acid 408 retained).
Molecular consequence: synonymous variant.
Genome position (GRCh38, 1-based): chr17:65,537,812, C>T on the plus strand (G>A on the coding strand, the complement: AXIN2 is on the minus strand). VCF-style: chr17-65537812-C-T. GRCh37 (hg19) VCF-style: chr17-63533930-C-T.
Other names: c.1224G>A, p.Glu408= (NM_001363813.1).
Identifiers: ClinVar variation 2034161 (VCV002034161.5), dbSNP rs2509418376, ClinGen allele CA501691385.
Genomic context (GRCh38, chr17:65,537,812, plus strand): 5'-GGAGGGCAGTAGGGAGAGGGGGTGCTGCGTGGGCGCCCCCTCCCGCGAATTGAGTGTGAG[C>T]TCGGAGCCCTCTCTCTCTTCATCCTGAAAGGGAAGACGTCAGAAGGAGAAGTGACCCAGG-3'
Protein context (NP_004646.3, residues 398-418): IREDEEREGS[Glu408=]LTLNSREGAP